The following is an entry in ClinVar:

NM_005896.4(IDH1):c.224C>T (p.Thr75Ile)

Gene: IDH1 (isocitrate dehydrogenase (NADP(+)) 1; minus strand). Cytogenetic location: 2q34.
Variant type: single nucleotide variant.
Coding change: c.224C>T on transcript NM_005896.4 (MANE Select); coding-DNA position 224, C replaced by T.
Protein change: p.Thr75Ile; replaces threonine 75 with isoleucine.
Molecular consequence: missense variant.
Genome position (GRCh38, 1-based): chr2:208,248,559, G>A on the plus strand (C>T on the coding strand, the complement: IDH1 is on the minus strand). VCF-style: chr2-208248559-G-A. GRCh37 (hg19) VCF-style: chr2-209113283-G-A.
Other names: c.224C>T, p.Thr75Ile (NM_001282386.1, NM_001282387.1); short protein forms T75I.
Identifiers: ClinVar variation 4879988 (VCV004879988.1).

ClinVar aggregate classification (somatic clinical impact): Tier III - Unknown (0 of 4 stars; one submission).

Conditions:
Chronic myeloid leukemia. Also called: Chronic myelogenous leukemia, BCR-ABL1 positive; Chronic myelogenous leukemia. Identifiers: Orphanet 521, MedGen C0279543, MeSH D015464, MONDO:0011996, OMIM 608232, HP:0005506.

Submission:

Human Genetics Laboratory, University of Education
Classification: Tier III - Unknown for Chronic myeloid leukemia. Review status: no assertion criteria provided. Collection method: clinical testing. Allele origin: somatic. Observed: 18 variant alleles.
Comment: The variant was not found in ClinVar, COSMIC, or the available published literature. In silico analyses suggest a possible impact on protein structure and stability; however, no functional or clinical evidence is currently available. Therefore, this variant is classified as Tier III (Variant of Unknown Clinical Significance).